The following is an entry in ClinVar:

NM_000545.8(HNF1A):c.899_900delinsTCCCCTG (p.Pro300fs)

Gene: HNF1A (HNF1 homeobox A; plus strand). Cytogenetic location: 12q24.31.
Variant type: Indel.
Coding change: c.899_900delinsTCCCCTG on transcript NM_000545.8 (MANE Select); coding-DNA positions 899 to 900, CC replaced by TCCCCTG.
Protein change: p.Pro300fs; shifts the reading frame from proline 300.
Molecular consequence: frameshift variant.
Genome position (GRCh38, 1-based): chr12:120,994,349-120,994,350, CC replaced by TCCCCTG. VCF-style: chr12-120994349-CC-TCCCCTG. GRCh37 (hg19) VCF-style: chr12-121432152-CC-TCCCCTG.
Other names: c.899_900delinsTCCCCTG, p.Pro300fs (NM_001306179.2); short protein forms P300fs.
Identifiers: ClinVar variation 1701214 (VCV001701214.31), dbSNP rs2135842474, ClinGen allele CA2580085933.

ClinVar aggregate classification (germline): Pathogenic (1 of 4 stars; one submission).

Submission:

CeGaT Center for Human Genetics Tuebingen
Classification: Pathogenic. Last evaluated: 2022-04-01. Review status: criteria provided, single submitter. Criteria: CeGaT Center For Human Genetics Tuebingen Variant Classification Criteria Version 2. Collection method: clinical testing. Allele origin: germline. Affected: yes. Observed: 1 variant allele.
Comment: HNF1A: PVS1, PM2